The following is an entry in ClinVar:

NM_001844.5(COL2A1):c.3136C>T (p.Pro1046Ser)

Gene: COL2A1 (collagen type II alpha 1 chain; minus strand). Cytogenetic location: 12q13.11.
Variant type: single nucleotide variant.
Coding change: c.3136C>T on transcript NM_001844.5 (MANE Select); coding-DNA position 3136, C replaced by T.
Protein change: p.Pro1046Ser; replaces proline 1046 with serine.
Molecular consequence: missense variant.
Genome position (GRCh38, 1-based): chr12:47,977,629, G>A on the plus strand (C>T on the coding strand, the complement: COL2A1 is on the minus strand). VCF-style: chr12-47977629-G-A. GRCh37 (hg19) VCF-style: chr12-48371412-G-A.
Other names: c.2929C>T, p.Pro977Ser (NM_033150.3); short protein forms P1046S, P977S.
Identifiers: ClinVar variation 637048 (VCV000637048.2), dbSNP rs751205887, ClinGen allele CA384540549.

ClinVar aggregate classification (germline): Conflicting classifications of pathogenicity. Review status: criteria provided, conflicting classifications (1 of 4 stars). 2 submissions from 2 submitters: Likely pathogenic (1); Uncertain significance (1). Last evaluated 2023-07-10.

Conditions:
Stickler syndrome, type I, nonsyndromic ocular. Also called: STICKLER SYNDROME, TYPE I, PREDOMINANTLY OCULAR; STICKLER SYNDROME, ATYPICAL. Identifiers: MedGen C1836080, MONDO:0012287, OMIM 609508.

Submissions (2):

3billion
Classification: Uncertain significance for Stickler syndrome, type I, nonsyndromic ocular. Last evaluated: 2023-07-10. Review status: criteria provided, single submitter. Criteria: ACMG Guidelines, 2015. Collection method: clinical testing. Allele origin: germline. Affected: yes.
Comment: The variant is not observed in the gnomAD v2.1.1 dataset. Predicted Consequence/Location: Missense changes are a common disease-causing mechanism. In silico tool predictions suggest damaging effect of the variant on gene or gene product (REVEL: 0.74; 3Cnet: 0.13). Same nucleotide change resulting in same amino acid change has been previously reported to be associated with COL2A1 related disorder (ClinVar ID: VCV000637048 /PMID: 34008892). However, the evidence of pathogenicity is insufficient at this time. Therefore, this variant is classified as VUS according to the recommendation of ACMG/AMP guideline.

Laboratory of Medical Genetics, National & Kapodistrian University of Athens
Classification: Likely pathogenic for Stickler syndrome, type I, nonsyndromic ocular. Last evaluated: 2018-10-10. Review status: criteria provided, single submitter. Criteria: ACMG Guidelines, 2015. Collection method: clinical testing. Allele origin: de novo. Affected: yes.
Comment: PM1, PM2, PP2, PP3

Literature cited by the submitters: PubMed 34008892 (cited by 3billion).